The following is an entry in ClinVar:

NM_006445.4(PRPF8):c.5898C>T (p.His1966=)

Gene: PRPF8 (pre-mRNA processing factor 8; minus strand). Cytogenetic location: 17p13.3.
Variant type: single nucleotide variant.
Coding change: c.5898C>T on transcript NM_006445.4 (MANE Select); coding-DNA position 5898, C replaced by T.
Protein change: p.His1966=; no amino-acid change (histidine 1966 retained).
Molecular consequence: synonymous variant.
Genome position (GRCh38, 1-based): chr17:1,655,439, G>A on the plus strand (C>T on the coding strand, the complement: PRPF8 is on the minus strand). VCF-style: chr17-1655439-G-A. GRCh37 (hg19) VCF-style: chr17-1558733-G-A.
Identifiers: ClinVar variation 1079599 (VCV001079599.17), dbSNP rs761657389, ClinGen allele CA8271306.

ClinVar aggregate classification (germline): Likely benign. Review status: criteria provided, multiple submitters, no conflicts (2 of 4 stars). 4 submissions from 4 submitters: Likely benign (4). Last evaluated 2025-11-27.

Allele frequency attached by ClinVar (database versions not stated): ExAC 0.00003; gnomAD exomes 0.00003 and 0.00013; gnomAD 0.00004 and 0.00006; TOPMed 0.00005.
gnomAD v4.1: 209 of 1,614,136 alleles (0.013%); highest among the groups gnomAD compares: Middle Eastern, 0.46%; 1 homozygote.

Submissions (4):

Labcorp Genetics (formerly Invitae), Labcorp
Classification: Likely benign. Last evaluated: 2025-11-27. Review status: criteria provided, single submitter. Criteria: Invitae Variant Classification Sherloc (09022015). Collection method: clinical testing. Allele origin: germline.

CeGaT Center for Human Genetics Tuebingen
Classification: Likely benign. Last evaluated: 2025-07-01. Review status: criteria provided, single submitter. Criteria: CeGaT Center For Human Genetics Tuebingen Variant Classification Criteria Version 2. Collection method: clinical testing. Allele origin: germline. Affected: yes. Observed: 1 variant allele.
Comment: PRPF8: BP4, BP7

Blueprint Genetics
Classification: Likely benign. Last evaluated: 2024-10-16. Review status: criteria provided, single submitter. Criteria: ACMG Guidelines, 2015. Collection method: clinical testing. Allele origin: germline.

Breakthrough Genomics
Classification: Likely benign. Review status: criteria provided, single submitter. Criteria: ACMG Guidelines, 2015. Collection method: not provided. Allele origin: germline. Inheritance: Autosomal dominant inheritance. Affected: yes.